The following is an entry in ClinVar:

NM_198253.3(TERT):c.1714A>G (p.Arg572Gly)

Gene: TERT (telomerase reverse transcriptase; minus strand). Cytogenetic location: 5p15.33.
Variant type: single nucleotide variant.
Coding change: c.1714A>G on transcript NM_198253.3 (MANE Select); coding-DNA position 1714, A replaced by G.
Protein change: p.Arg572Gly; replaces arginine 572 with glycine.
Molecular consequence: missense variant. On other transcripts: non-coding transcript variant (2).
Genome position (GRCh38, 1-based): chr5:1,282,484, T>C on the plus strand (A>G on the coding strand, the complement: TERT is on the minus strand). VCF-style: chr5-1282484-T-C. GRCh37 (hg19) VCF-style: chr5-1282599-T-C.
Other names: c.1714A>G, p.Arg572Gly (NM_001193376.3); short protein forms R572G.
Identifiers: ClinVar variation 4825587 (VCV004825587.1).

ClinVar aggregate classification (germline): Uncertain significance (1 of 4 stars; one submission).

Conditions:
Dyskeratosis congenita. Identifiers: Orphanet 1775, MedGen C0265965, MONDO:0015780.

Submission:

Ambry Genetics
Classification: Uncertain significance for Dyskeratosis congenita. Last evaluated: 2026-01-22. Review status: criteria provided, single submitter. Criteria: Ambry Variant Classification Scheme 2023. Collection method: clinical testing. Allele origin: germline.
Comment: The p.R572G variant (also known as c.1714A>G), located in coding exon 3 of the TERT gene, results from an A to G substitution at nucleotide position 1714. The arginine at codon 572 is replaced by glycine, an amino acid with dissimilar properties. This amino acid position is conserved. In addition, the in silico prediction for this alteration is inconclusive. Based on the available evidence, the clinical significance of this variant remains unclear.